The following is an entry in ClinVar:

ClinVar aggregate classification (germline): Uncertain significance. Review status: criteria provided, multiple submitters, no conflicts (2 of 4 stars). 2 submissions from 2 submitters: Uncertain significance (2). Last evaluated 2023-10-14.

Conditions:
Dyskeratosis congenita. Identifiers: Orphanet 1775, MedGen C0265965, MONDO:0015780.
Idiopathic Pulmonary Fibrosis. Also called: Idiopathic fibrosing alveolitis, chronic form; idiopathic fibrosing alveolitis. Identifiers: Orphanet 2032, MedGen C1800706, MeSH D054990, MONDO:0800504.
Dyskeratosis congenita, autosomal dominant 2. Identifiers: MedGen C3151443, MONDO:0013521, OMIM 613989.

Allele frequency attached by ClinVar (database versions not stated): gnomAD exomes below 0.00001; TOPMed below 0.00001; gnomAD 0.00001.
gnomAD v4.1: 2 of 1,590,874 alleles (0.00013%); highest among the groups gnomAD compares: Non-Finnish European, 0.00017%; no homozygotes.

Submissions (2):

Labcorp Genetics (formerly Invitae), Labcorp
Classification: Uncertain significance for Dyskeratosis congenita, autosomal dominant 2; Idiopathic Pulmonary Fibrosis. Last evaluated: 2023-10-14. Review status: criteria provided, single submitter. Criteria: Invitae Variant Classification Sherloc (09022015). Collection method: clinical testing. Allele origin: germline.
Comment: This sequence change replaces aspartic acid, which is acidic and polar, with glycine, which is neutral and non-polar, at codon 267 of the TERT protein (p.Asp267Gly). This variant is not present in population databases (gnomAD no frequency). This variant has not been reported in the literature in individuals affected with TERT-related conditions. ClinVar contains an entry for this variant (Variation ID: 242244). Advanced modeling of protein sequence and biophysical properties (such as structural, functional, and spatial information, amino acid conservation, physicochemical variation, residue mobility, and thermodynamic stability) has been performed at Invitae for this missense variant, however the output from this modeling did not meet the statistical confidence thresholds required to predict the impact of this variant on TERT protein function. In summary, the available evidence is currently insufficient to determine the role of this variant in disease. Therefore, it has been classified as a Variant of Uncertain Significance.

Ambry Genetics
Classification: Uncertain significance for Dyskeratosis congenita. Last evaluated: 2022-12-05. Review status: criteria provided, single submitter. Criteria: Ambry Variant Classification Scheme 2023. Collection method: clinical testing. Allele origin: germline.
Comment: The p.D267G variant (also known as c.800A>G), located in coding exon 2 of the TERT gene, results from an A to G substitution at nucleotide position 800. The aspartic acid at codon 267 is replaced by glycine, an amino acid with similar properties. This amino acid position is conserved. In addition, this alteration is predicted to be tolerated by in silico analysis. Since supporting evidence is limited at this time, the clinical significance of this alteration remains unclear.

NM_198253.3(TERT):c.800A>G (p.Asp267Gly)

Gene: TERT (telomerase reverse transcriptase; minus strand). Cytogenetic location: 5p15.33.
Variant type: single nucleotide variant.
Coding change: c.800A>G on transcript NM_198253.3 (MANE Select); coding-DNA position 800, A replaced by G.
Protein change: p.Asp267Gly; replaces aspartic acid 267 with glycine.
Molecular consequence: missense variant. On other transcripts: non-coding transcript variant (2).
Genome position (GRCh38, 1-based): chr5:1,294,086, T>C on the plus strand (A>G on the coding strand, the complement: TERT is on the minus strand). VCF-style: chr5-1294086-T-C. GRCh37 (hg19) VCF-style: chr5-1294201-T-C.
Other names: c.800A>G, p.Asp267Gly (NM_001193376.3); short protein forms D267G.
Identifiers: ClinVar variation 242244 (VCV000242244.11), dbSNP rs878855306, ClinGen allele CA10582365.